The following is an entry in ClinVar:

ClinVar aggregate classification (germline): Uncertain significance (1 of 4 stars; one submission).

Allele frequency attached by ClinVar (database versions not stated): TOPMed below 0.00001; gnomAD 0.00001.
gnomAD v4.1: 1 of 1,613,818 alleles (0.000062%); highest among the groups gnomAD compares: African/African-American, 0.0013%; no homozygotes.

Submission:

Labcorp Genetics (formerly Invitae), Labcorp
Classification: Uncertain significance. Last evaluated: 2022-03-19. Review status: criteria provided, single submitter. Criteria: Invitae Variant Classification Sherloc (09022015). Collection method: clinical testing. Allele origin: germline.
Comment: This variant has not been reported in the literature in individuals affected with USH2A-related conditions. This variant is not present in population databases (gnomAD no frequency). This sequence change replaces proline, which is neutral and non-polar, with leucine, which is neutral and non-polar, at codon 746 of the USH2A protein (p.Pro746Leu). ClinVar contains an entry for this variant (Variation ID: 1035685). In summary, the available evidence is currently insufficient to determine the role of this variant in disease. Therefore, it has been classified as a Variant of Uncertain Significance. Algorithms developed to predict the effect of missense changes on protein structure and function are either unavailable or do not agree on the potential impact of this missense change (SIFT: "Deleterious"; PolyPhen-2: "Benign"; Align-GVGD: "Class C65").

NM_206933.4(USH2A):c.2237C>T (p.Pro746Leu)

Gene: USH2A (usherin; minus strand). Cytogenetic location: 1q41.
Variant type: single nucleotide variant.
Coding change: c.2237C>T on transcript NM_206933.4 (MANE Select); coding-DNA position 2237, C replaced by T.
Protein change: p.Pro746Leu; replaces proline 746 with leucine.
Molecular consequence: missense variant.
Genome position (GRCh38, 1-based): chr1:216,247,157, G>A on the plus strand (C>T on the coding strand, the complement: USH2A is on the minus strand). VCF-style: chr1-216247157-G-A. GRCh37 (hg19) VCF-style: chr1-216420499-G-A.
Other names: c.2237C>T, p.Pro746Leu (NM_007123.6); short protein forms P746L.
Identifiers: ClinVar variation 1035685 (VCV001035685.6), dbSNP rs2036067969, ClinGen allele CA344865474.
Genomic context (GRCh38, chr1:216,247,157, plus strand): 5'-CACTGCCCAGAGTGAGGATTGCAGAATTTGTTCACTGAGCCATGGAGGTTACACTGGCAG[G>A]GCTCACATCCAACATCATTAAAGCTTCGGAGAAATTTAAATCCAAAATTGCAATGATCAC-3'
Protein context (NP_996816.3, residues 736-756): LRSFNDVGCE[Pro746Leu]CQCNLHGSVN